The following is an entry in ClinVar:

ClinVar aggregate classification (germline): Pathogenic (1 of 4 stars; one submission).

Submission:

Labcorp Genetics (formerly Invitae), Labcorp
Classification: Pathogenic. Last evaluated: 2024-01-16. Review status: criteria provided, single submitter. Criteria: Invitae Variant Classification Sherloc (09022015). Collection method: clinical testing. Allele origin: unknown.
Comment: This variant is a gross deletion of the genomic region encompassing exon(s) 18-19 of the TRAPPC9 gene. This deletion is out-of-frame, and is expected to create a premature termination codon and result in an absent or disrupted protein product. Loss-of-function variants in TRAPPC9 are known to be pathogenic (PMID: 2000476, 20004763, 20004764). A similar copy number variant has been observed in individual(s) with autosomal recessive intellectual disability (PMID: 29187737). For these reasons, this variant has been classified as Pathogenic.

Literature cited by the submitters: PubMed 2000476; PubMed 20004763; PubMed 20004764; PubMed 29187737.

NC_000008.10:g.(?_140998914)_(141034196_?)del

Gene: TRAPPC9 (trafficking protein particle complex subunit 9; minus strand). Cytogenetic location: 8q24.3.
Variant type: Deletion.
Identifiers: ClinVar variation 3245606 (VCV003245606.1).